The following is an entry in ClinVar:

ClinVar aggregate classification (germline): Uncertain significance (1 of 4 stars; one submission).

Allele frequency attached by ClinVar (database versions not stated): TOPMed below 0.00001; gnomAD exomes 0.00001 and 0.00003; ExAC 0.00002.
gnomAD v4.1: 14 of 1,614,184 alleles (0.00087%); highest among the groups gnomAD compares: East Asian, 0.0022%; no homozygotes.

Submission:

GeneDx
Classification: Uncertain significance. Last evaluated: 2019-07-10. Review status: criteria provided, single submitter. Criteria: GeneDx Variant Classification Process June 2021. Collection method: clinical testing. Allele origin: germline. Affected: yes.
Comment: In silico analysis, which includes protein predictors and evolutionary conservation, supports that this variant does not alter protein structure/function; Has not been previously published as pathogenic or benign to our knowledge

NM_130849.4(SLC39A4):c.1898C>T (p.Thr633Ile)

Gene: SLC39A4 (solute carrier family 39 member 4; minus strand). Cytogenetic location: 8q24.3.
Variant type: single nucleotide variant.
Coding change: c.1898C>T on transcript NM_130849.4 (MANE Select); coding-DNA position 1898, C replaced by T.
Protein change: p.Thr633Ile; replaces threonine 633 with isoleucine.
Molecular consequence: missense variant.
Genome position (GRCh38, 1-based): chr8:144,412,584, G>A on the plus strand (C>T on the coding strand, the complement: SLC39A4 is on the minus strand). VCF-style: chr8-144412584-G-A. GRCh37 (hg19) VCF-style: chr8-145637968-G-A.
Other names: c.404C>T, p.Thr135Ile (NM_001280557.2); c.1616C>T, p.Thr539Ile (NM_001374839.1); c.1823C>T, p.Thr608Ile (NM_017767.3); short protein forms T135I, T539I, T608I, T633I.
Identifiers: ClinVar variation 1306655 (VCV001306655.2), dbSNP rs782382661, ClinGen allele CA4941031.